The following is an entry in ClinVar:

ClinVar aggregate classification (germline): Uncertain significance. Review status: criteria provided, multiple submitters, no conflicts (2 of 4 stars). 2 submissions from 2 submitters: Uncertain significance (2). Last evaluated 2024-11-14.

Conditions:
Inborn genetic diseases. Identifiers: MedGen C0950123, MeSH D030342.

Submissions (2):

Labcorp Genetics (formerly Invitae), Labcorp
Classification: Uncertain significance. Last evaluated: 2024-11-14. Review status: criteria provided, single submitter. Criteria: Invitae Variant Classification Sherloc (09022015). Collection method: clinical testing. Allele origin: germline.
Comment: This sequence change replaces leucine, which is neutral and non-polar, with isoleucine, which is neutral and non-polar, at codon 370 of the ADNP protein (p.Leu370Ile). This variant is not present in population databases (gnomAD no frequency). This variant has not been reported in the literature in individuals affected with ADNP-related conditions. ClinVar contains an entry for this variant (Variation ID: 2536857). An algorithm developed to predict the effect of missense changes on protein structure and function (PolyPhen-2) suggests that this variant is likely to be tolerated. In summary, the available evidence is currently insufficient to determine the role of this variant in disease. Therefore, it has been classified as a Variant of Uncertain Significance.

Ambry Genetics
Classification: Uncertain significance for Inborn genetic diseases. Last evaluated: 2023-04-13. Review status: criteria provided, single submitter. Criteria: Ambry Variant Classification Scheme 2023. Collection method: clinical testing. Allele origin: germline.

NM_001282531.3(ADNP):c.1108C>A (p.Leu370Ile)

Gene: ADNP (activity dependent neuroprotector homeobox; minus strand). Cytogenetic location: 20q13.13.
Variant type: single nucleotide variant.
Coding change: c.1108C>A on transcript NM_001282531.3 (MANE Select); coding-DNA position 1108, C replaced by A.
Protein change: p.Leu370Ile; replaces leucine 370 with isoleucine.
Molecular consequence: missense variant.
Genome position (GRCh38, 1-based): chr20:50,893,606, G>T on the plus strand (C>A on the coding strand, the complement: ADNP is on the minus strand). VCF-style: chr20-50893606-G-T. GRCh37 (hg19) VCF-style: chr20-49510143-G-T.
Other names: c.1108C>A, p.Leu370Ile (NM_001282532.2, NM_001347511.2, NM_015339.5 and 1 more transcripts); short protein forms L370I.
Identifiers: ClinVar variation 2536857 (VCV002536857.4), dbSNP rs749861265, ClinGen allele CA408974587.
Genomic context (GRCh38, chr20:50,893,606, plus strand): 5'-CTGGTGCCTGGGACCTCTGCTCTGACCCAAGCCCATAAGACCTTCCGTTTCCACTTGGAA[G>T]TAACTGCTTTACAGACTGAGATTGTTGAGGAATGGAAACTGGTGCGTTGCCACCTAGACC-3'
Protein context (NP_001269460.1, residues 360-380): PQQSQSVKQL[Leu370Ile]PSGNGRSYGL